The following is an entry in ClinVar:

ClinVar aggregate classification (germline): Pathogenic (1 of 4 stars; one submission).

Submission:

GeneDx
Classification: Pathogenic. Last evaluated: 2022-04-22. Review status: criteria provided, single submitter. Criteria: GeneDx Variant Classification Process June 2021. Collection method: clinical testing. Allele origin: germline. Affected: yes.
Comment: Nonsense variant predicted to result in protein truncation or nonsense mediated decay in a gene for which loss-of-function is a known mechanism of disease; Not observed in large population cohorts (gnomAD); Has not been previously published as pathogenic or benign to our knowledge

NM_001080517.3(SETD5):c.2881A>T (p.Arg961Ter)

Gene: SETD5 (SET domain containing 5; plus strand). Cytogenetic location: 3p25.3.
Variant type: single nucleotide variant.
Coding change: c.2881A>T on transcript NM_001080517.3 (MANE Select); coding-DNA position 2881, A replaced by T.
Protein change: p.Arg961Ter; replaces arginine 961 with a stop codon.
Molecular consequence: nonsense.
Genome position (GRCh38, 1-based): chr3:9,470,615, A>T. VCF-style: chr3-9470615-A-T. GRCh37 (hg19) VCF-style: chr3-9512299-A-T.
Other names: c.2587A>T, p.Arg863Ter (NM_001292043.2, NM_001349451.2); short protein forms R863*, R961*.
Identifiers: ClinVar variation 1678815 (VCV001678815.2), dbSNP rs2125578212, ClinGen allele CA351680472.